The following is an entry in ClinVar:

ClinVar aggregate classification (germline): Uncertain significance. Review status: criteria provided, multiple submitters, no conflicts (2 of 4 stars). 2 submissions from 2 submitters: Uncertain significance (2). Last evaluated 2024-04-23.

Allele frequency attached by ClinVar (database versions not stated): ExAC 0.00001; gnomAD 0.00001; TOPMed 0.00001.
gnomAD v4.1: 6 of 1,613,912 alleles (0.00037%); highest among the groups gnomAD compares: East Asian, 0.013%; no homozygotes.

Submissions (2):

Ambry Genetics
Classification: Uncertain significance. Last evaluated: 2024-04-23. Review status: criteria provided, single submitter. Criteria: Ambry Variant Classification Scheme 2023. Collection method: clinical testing. Allele origin: germline.

Labcorp Genetics (formerly Invitae), Labcorp
Classification: Uncertain significance. Last evaluated: 2022-12-02. Review status: criteria provided, single submitter. Criteria: Invitae Variant Classification Sherloc (09022015). Collection method: clinical testing. Allele origin: germline.
Comment: This sequence change replaces glutamine, which is neutral and polar, with arginine, which is basic and polar, at codon 39 of the IDH3B protein (p.Gln39Arg). This variant is present in population databases (rs772845236, gnomAD 0.04%). This variant has not been reported in the literature in individuals affected with IDH3B-related conditions. Algorithms developed to predict the effect of missense changes on protein structure and function are either unavailable or do not agree on the potential impact of this missense change (SIFT: "Not Available"; PolyPhen-2: "Benign"; Align-GVGD: "Not Available"). In summary, the available evidence is currently insufficient to determine the role of this variant in disease. Therefore, it has been classified as a Variant of Uncertain Significance.

NM_006899.5(IDH3B):c.116A>G (p.Gln39Arg)

Gene: IDH3B (isocitrate dehydrogenase (NAD(+)) 3 non-catalytic subunit beta; minus strand). Cytogenetic location: 20p13.
Variant type: single nucleotide variant.
Coding change: c.116A>G on transcript NM_006899.5 (MANE Select); coding-DNA position 116, A replaced by G.
Protein change: p.Gln39Arg; replaces glutamine 39 with arginine.
Molecular consequence: missense variant. On other transcripts: non-coding transcript variant (1).
Genome position (GRCh38, 1-based): chr20:2,663,926, T>C on the plus strand (A>G on the coding strand, the complement: IDH3B is on the minus strand). VCF-style: chr20-2663926-T-C. GRCh37 (hg19) VCF-style: chr20-2644572-T-C.
Other names: c.116A>G, p.Gln39Arg (NM_001258384.3, NM_001330763.2, NM_174855.4); c.116A>G (NM_006899.2); short protein forms Q39R.
Identifiers: ClinVar variation 2121372 (VCV002121372.5), dbSNP rs772845236, ClinGen allele CA9735407.